The following is an entry in ClinVar:

ClinVar aggregate classification (germline): Uncertain significance. Review status: criteria provided, multiple submitters, no conflicts (2 of 4 stars). 2 submissions from 2 submitters: Uncertain significance (2). Last evaluated 2024-03-27.

Conditions:
Bardet-Biedl syndrome 14 (BBS14). Identifiers: Orphanet 110, MedGen C2673874, MONDO:0014442, OMIM 615991.
Joubert syndrome 6 (JBTS6). Identifiers: Orphanet 475, MedGen C1853153, MONDO:0012539, OMIM 610688.
COACH syndrome 1. Identifiers: Orphanet 1454, MedGen C5435651, MONDO:0800103, OMIM 216360, MONDO:0008996.
Meckel syndrome, type 3 (MKS3). Also called: MECKEL-GRUBER SYNDROME, TYPE 3. Identifiers: Orphanet 564, MedGen C1846357, MONDO:0011821, OMIM 607361.
RHYNS syndrome. Also called: RETINITIS PIGMENTOSA SYNDROME; RETINITIS PIGMENTOSA, HYPOPITUITARISM, NEPHRONOPHTHISIS, AND MILD SKELETAL DYSPLASIA. Identifiers: Orphanet 140976, MedGen C1865794, MONDO:0011202, OMIM 602152.
Nephronophthisis 11 (NPHP11). Identifiers: Orphanet 84081, MedGen C3150796, MONDO:0013302, OMIM 613550.
Joubert syndrome. Also called: CEREBELLOPARENCHYMAL DISORDER IV; JOUBERT-BOLTSHAUSER SYNDROME; Familial aplasia of the vermis. Identifiers: Orphanet 475, MedGen C5979921, MONDO:0018772.
Meckel-Gruber syndrome. Also called: DYSENCEPHALIA SPLANCHNOCYSTICA; GRUBER SYNDROME; Dysencephalia splachnocystica. Identifiers: Orphanet 564, MedGen C0265215, MONDO:0018921.

Allele frequency attached by ClinVar (database versions not stated): TOPMed below 0.00001; ExAC 0.00006.
gnomAD v4.1: 39 of 1,614,218 alleles (0.0024%); highest among the groups gnomAD compares: South Asian, 0.038%; no homozygotes.

Submissions (2):

Fulgent Genetics
Classification: Uncertain significance for COACH syndrome 1; RHYNS syndrome; Meckel syndrome, type 3; Joubert syndrome 6; Nephronophthisis 11; Bardet-Biedl syndrome 14. Last evaluated: 2024-03-27. Review status: criteria provided, single submitter. Criteria: ACMG Guidelines, 2015. Collection method: clinical testing. Allele origin: germline.

Labcorp Genetics (formerly Invitae), Labcorp
Classification: Uncertain significance for Joubert syndrome; Meckel-Gruber syndrome. Last evaluated: 2022-02-03. Review status: criteria provided, single submitter. Criteria: Invitae Variant Classification Sherloc (09022015). Collection method: clinical testing. Allele origin: germline.
Comment: This sequence change replaces proline, which is neutral and non-polar, with alanine, which is neutral and non-polar, at codon 42 of the TMEM67 protein (p.Pro42Ala). This variant is present in population databases (rs752813601, gnomAD 0.04%). This variant has not been reported in the literature in individuals affected with TMEM67-related conditions. Advanced modeling of protein sequence and biophysical properties (such as structural, functional, and spatial information, amino acid conservation, physicochemical variation, residue mobility, and thermodynamic stability) performed at Invitae indicates that this missense variant is expected to disrupt TMEM67 protein function. In summary, the available evidence is currently insufficient to determine the role of this variant in disease. Therefore, it has been classified as a Variant of Uncertain Significance.

NM_153704.6(TMEM67):c.124C>G (p.Pro42Ala)

Gene: TMEM67 (transmembrane protein 67; plus strand). Cytogenetic location: 8q22.1.
Variant type: single nucleotide variant.
Coding change: c.124C>G on transcript NM_153704.6 (MANE Select); coding-DNA position 124, C replaced by G.
Protein change: p.Pro42Ala; replaces proline 42 with alanine.
Molecular consequence: missense variant. On other transcripts: 5 prime UTR variant (1), non-coding transcript variant (1).
Genome position (GRCh38, 1-based): chr8:93,755,038, C>G. VCF-style: chr8-93755038-C-G. GRCh37 (hg19) VCF-style: chr8-94767266-C-G.
Other names: c.-161C>G (NM_001142301.1); short protein forms P42A.
Identifiers: ClinVar variation 1956073 (VCV001956073.3), dbSNP rs752813601, ClinGen allele CA4807519.